The following is an entry in ClinVar:

ClinVar aggregate classification (germline): Likely pathogenic. Review status: criteria provided, multiple submitters, no conflicts (2 of 4 stars). 2 submissions from 2 submitters: Likely pathogenic (2). Last evaluated 2025-11-23.

Conditions:
Dilated cardiomyopathy 1G (CMD1G). Identifiers: Orphanet 154, MedGen C1858763, MONDO:0011400, OMIM 604145.
Autosomal recessive limb-girdle muscular dystrophy type 2J (LGMDR10). Also called: Limb-girdle muscular dystrophy, type 2J; MUSCULAR DYSTROPHY, LIMB-GIRDLE, AUTOSOMAL RECESSIVE 10. Identifiers: Orphanet 140922, MedGen C1837342, MONDO:0012127, OMIM 608807.
Cardiomyopathy (CMYO). Also called: Cardiomyopathies. Identifiers: Orphanet 167848, MedGen C0878544, MONDO:0004994, HP:0001638. Inheritance: Various modes of inheritance.

Submissions (2):

Labcorp Genetics (formerly Invitae), Labcorp
Classification: Likely pathogenic for Dilated cardiomyopathy 1G; Autosomal recessive limb-girdle muscular dystrophy type 2J. Last evaluated: 2025-11-23. Review status: criteria provided, single submitter. Criteria: Invitae Variant Classification Sherloc (09022015). Collection method: clinical testing. Allele origin: germline.
Comment: This sequence change creates a premature translational stop signal (p.Cys15363Trpfs*5) in the TTN gene. While this is not anticipated to result in nonsense mediated decay, it is expected to create a truncated TTN protein. This variant is not present in population databases (gnomAD no frequency). This variant has not been reported in the literature in individuals affected with TTN-related conditions. ClinVar contains an entry for this variant (Variation ID: 1329157). This variant is located in the I band of TTN (PMID: 25589632). Truncating variants in this region have been reported in individuals affected with autosomal recessive centronuclear myopathy (PMID: 23975875, internal data). Truncating variants in this region have also been identified in individuals affected with autosomal dominant dilated cardiomyopathy and/or cardio-related conditions (PMID: 27869827, 32964742, internal data). In summary, the currently available evidence indicates that the variant is pathogenic, but additional data are needed to prove that conclusively. Therefore, this variant has been classified as Likely Pathogenic.

CHEO Genetics Diagnostic Laboratory, Children's Hospital of Eastern Ontario
Classification: Likely pathogenic for Cardiomyopathy. Last evaluated: 2020-04-16. Review status: criteria provided, single submitter. Criteria: ACMG Guidelines, 2015. Collection method: clinical testing. Allele origin: germline.

Literature cited by the submitters: PubMed 25589632 (cited by Labcorp Genetics (formerly Invitae), Labcorp); PubMed 23975875 (cited by Labcorp Genetics (formerly Invitae), Labcorp); PubMed 27869827 (cited by Labcorp Genetics (formerly Invitae), Labcorp); PubMed 32964742 (cited by Labcorp Genetics (formerly Invitae), Labcorp).

NM_001267550.2(TTN):c.46089_46090del (p.Cys15363fs)

Gene: TTN (titin; minus strand). Cytogenetic location: 2q31.2.
Variant type: Microsatellite.
Coding change: c.46089_46090del on transcript NM_001267550.2 (MANE Select); coding-DNA positions 46089 to 46090, 2 bases deleted (TG; older notation c.46089_46090delTG).
Protein change: p.Cys15363fs; shifts the reading frame from cysteine 15363.
Molecular consequence: frameshift variant.
Genome position (GRCh38, 1-based): chr2:178,620,431-178,620,432, CA deleted on the plus strand (TG on the coding strand, the reverse complement: TTN is on the minus strand); deleting any 2 consecutive bases within chr2:178,620,431-178,620,434 gives the same sequence; the c. name uses the placement nearest the transcript's 3' end. VCF-style (leftmost placement, unchanged base first): chr2-178620430-CCA-C. GRCh37 (hg19) VCF-style: chr2-179485157-CCA-C.
Other names: c.41166_41167del, p.Cys13722fs (NM_001256850.1); c.18894_18895del, p.Cys6298fs (NM_003319.4); c.38385_38386del, p.Cys12795fs (NM_133378.4); c.19269_19270del, p.Cys6423fs (NM_133432.3); c.19470_19471del, p.Cys6490fs (NM_133437.4); short protein forms C12795fs, C13722fs, C15363fs, C6298fs, C6423fs, C6490fs.
Identifiers: ClinVar variation 1329157 (VCV001329157.3), dbSNP rs2154211017, ClinGen allele CA2580614524.